The following is an entry in ClinVar:

ClinVar aggregate classification (germline): Uncertain significance. Review status: criteria provided, multiple submitters, no conflicts (2 of 4 stars). 2 submissions from 2 submitters: Uncertain significance (2). Last evaluated 2025-10-23.

Conditions:
Branchiootic syndrome 3 (BOS3). Also called: BO SYNDROME 3. Identifiers: MedGen C1842124, MONDO:0012025, OMIM 608389.
Autosomal dominant nonsyndromic hearing loss 23. Identifiers: Orphanet 90635, MedGen C1854594, MONDO:0011519, OMIM 605192.
Inborn genetic diseases. Identifiers: MedGen C0950123, MeSH D030342.

Allele frequency attached by ClinVar (database versions not stated): gnomAD exomes below 0.00001; gnomAD 0.00001; ExAC 0.00002; TOPMed 0.00002.
gnomAD v4.1: 8 of 1,613,816 alleles (0.0005%); highest among the groups gnomAD compares: Admixed American, 0.0017%; no homozygotes.

Submissions (2):

Labcorp Genetics (formerly Invitae), Labcorp
Classification: Uncertain significance for Autosomal dominant nonsyndromic hearing loss 23; Branchiootic syndrome 3. Last evaluated: 2025-10-23. Review status: criteria provided, single submitter. Criteria: Invitae Variant Classification Sherloc (09022015). Collection method: clinical testing. Allele origin: germline.
Comment: This sequence change replaces threonine, which is neutral and polar, with serine, which is neutral and polar, at codon 161 of the SIX1 protein (p.Thr161Ser). This variant is present in population databases (rs779837812, gnomAD 0.002%). This variant has not been reported in the literature in individuals affected with SIX1-related conditions. ClinVar contains an entry for this variant (Variation ID: 2923781). Invitae Evidence Modeling of protein sequence and biophysical properties (such as structural, functional, and spatial information, amino acid conservation, physicochemical variation, residue mobility, and thermodynamic stability) indicates that this missense variant is expected to disrupt SIX1 protein function with a positive predictive value of 80%. In summary, the available evidence is currently insufficient to determine the role of this variant in disease. Therefore, it has been classified as a Variant of Uncertain Significance.

Ambry Genetics
Classification: Uncertain significance for Inborn genetic diseases. Last evaluated: 2025-08-08. Review status: criteria provided, single submitter. Criteria: Ambry Variant Classification Scheme 2023. Collection method: clinical testing. Allele origin: germline.

NM_005982.4(SIX1):c.482C>G (p.Thr161Ser)

Genes: MIR9718 (microRNA 9718; plus strand), SIX1 (SIX homeobox 1; minus strand). Cytogenetic location: 14q23.1.
Variant type: single nucleotide variant.
Coding change: c.482C>G on transcript NM_005982.4 (MANE Select); coding-DNA position 482, C replaced by G.
Protein change: p.Thr161Ser; replaces threonine 161 with serine.
Molecular consequence: missense variant. On other transcripts: non-coding transcript variant (1).
Genome position (GRCh38, 1-based): chr14:60,648,708, G>C on the plus strand (C>G on the coding strand, the complement: SIX1 is on the minus strand). VCF-style: chr14-60648708-G-C. GRCh37 (hg19) VCF-style: chr14-61115426-G-C.
Other names: c.482C>G (NM_005982.3); c.482C>G, p.Thr161Ser (NM_001425142.1); short protein forms T161S.
Identifiers: ClinVar variation 2923781 (VCV002923781.4), dbSNP rs779837812, ClinGen allele CA7212803.